The following is an entry in ClinVar:

NM_001164508.2(NEB):c.21491G>A (p.Arg7164His)

Genes: NEB (nebulin; minus strand), RIF1 (replication timing regulatory factor 1; plus strand). Cytogenetic location: 2q23.3.
Variant type: single nucleotide variant.
Coding change: c.21491G>A on transcript NM_001164508.2 (MANE Select); coding-DNA position 21491, G replaced by A.
Protein change: p.Arg7164His; replaces arginine 7164 with histidine.
Molecular consequence: missense variant.
Genome position (GRCh38, 1-based): chr2:151,531,823, C>T on the plus strand (G>A on the coding strand, the complement: NEB is on the minus strand). VCF-style: chr2-151531823-C-T. GRCh37 (hg19) VCF-style: chr2-152388337-C-T.
Other names: c.16388G>A (NM_004543.4); c.21491G>A, p.Arg7164His (NM_001164507.2); c.21596G>A, p.Arg7199His (NM_001271208.2); c.16388G>A, p.Arg5463His (NM_004543.5); short protein forms R7199H, R5463H, R7164H.
Identifiers: ClinVar variation 465551 (VCV000465551.56), dbSNP rs16830171, ClinGen allele CA1906961.

ClinVar aggregate classification (germline): Conflicting classifications of pathogenicity. Review status: criteria provided, conflicting classifications (1 of 4 stars). 6 submissions from 6 submitters: Uncertain significance (1); Benign (2); Likely benign (3). Last evaluated 2026-04-13.

Conditions:
NEB-related disorder. Also called: NEB-Related Disorders; NEB-related condition.
Inborn genetic diseases. Identifiers: MedGen C0950123, MeSH D030342.
Nemaline myopathy 2 (NEM2). Also called: Nemaline myopathy 2, autosomal recessive. Identifiers: MedGen C1850569, MONDO:0009725, OMIM 256030.

Allele frequency attached by ClinVar (database versions not stated): gnomAD 0.00018 and 0.00037; TOPMed 0.00020; ESP Exome Variant Server 0.00033; gnomAD exomes 0.00037 and 0.00064; ExAC 0.00090; 1000 Genomes Project 30x 0.00125; 1000 Genomes Project 0.00160.
gnomAD v4.1: 599 of 1,612,914 alleles (0.037%); highest among the groups gnomAD compares: South Asian, 0.53%; 10 homozygotes.

Submissions (6):

PreventionGenetics, part of Exact Sciences
Classification: Likely benign for NEB-related condition. Last evaluated: 2026-04-13. Review status: criteria provided, single submitter. Criteria: ACMG Guidelines, 2015. Collection method: clinical testing. Allele origin: germline.
Comment: This variant is classified as likely benign based on ACMG/AMP sequence variant interpretation guidelines (Richards et al. 2015 PMID: 25741868, with internal and published modifications).

Women's Health and Genetics/Laboratory Corporation of America, LabCorp
Classification: Benign. Last evaluated: 2026-03-09. Review status: criteria provided, single submitter. Criteria: LabCorp Variant Classification Summary - May 2015. Collection method: clinical testing. Allele origin: germline.
Comment: Variant summary: NEB c.21596G>A (p.Arg7199His) results in a non-conservative amino acid change in the encoded protein sequence. Algorithms developed to predict the effect of missense changes on protein structure and function are either unavailable or do not agree on the potential impact of this missense change. The variant allele was found at a frequency of 0.00064 in 247912 control chromosomes, predominantly at a frequency of 0.0045 within the South Asian subpopulation in the gnomAD database, including 3 homozygotes. The observed variant frequency within South Asian control individuals in the gnomAD database exceeds the estimated maximal expected allele frequency for disease-causing variants in NEB. To our knowledge, no occurrence of c.21596G>A in individuals affected with NEB-related conditions and no experimental evidence demonstrating its impact on protein function have been reported. ClinVar contains an entry for this variant (Variation ID: 465551). Based on the evidence outlined above, the variant was classified as benign.

Labcorp Genetics (formerly Invitae), Labcorp
Classification: Benign for Nemaline myopathy 2. Last evaluated: 2026-01-28. Review status: criteria provided, single submitter. Criteria: Invitae Variant Classification Sherloc (09022015). Collection method: clinical testing. Allele origin: germline.

Blueprint Genetics
Classification: Likely benign. Last evaluated: 2024-11-05. Review status: criteria provided, single submitter. Criteria: ACMG Guidelines, 2015. Collection method: clinical testing. Allele origin: germline.

Ambry Genetics
Classification: Uncertain significance for Inborn genetic diseases. Last evaluated: 2023-08-10. Review status: criteria provided, single submitter. Criteria: Ambry Variant Classification Scheme 2023. Collection method: clinical testing. Allele origin: germline.

GeneDx
Classification: Likely benign. Last evaluated: 2020-11-05. Review status: criteria provided, single submitter. Criteria: GeneDx Variant Classification Process June 2021. Collection method: clinical testing. Allele origin: germline. Affected: yes.